The following is an entry in ClinVar:

NM_001012614.2(CTBP1):c.162+240T>C

Gene: CTBP1 (C-terminal binding protein 1; minus strand). Cytogenetic location: 4p16.3.
Variant type: single nucleotide variant.
Coding change: c.162+240T>C on transcript NM_001012614.2 (MANE Select); 240 bases into the intron after coding-DNA position 162, T replaced by C.
Molecular consequence: intron variant.
Genome position (GRCh38, 1-based): chr4:1,237,943, A>G on the plus strand (T>C on the coding strand, the complement: CTBP1 is on the minus strand). VCF-style: chr4-1237943-A-G. GRCh37 (hg19) VCF-style: chr4-1231731-A-G.
Other names: c.162+240T>C (NM_001377192.1, NM_001377189.1, NM_001377193.1 and 4 more transcripts); c.195+240T>C (NM_001328.3, NM_001377186.1).
Identifiers: ClinVar variation 4084307 (VCV004084307.8).

ClinVar aggregate classification (germline): Likely benign (1 of 4 stars; one submission).

Submission:

CeGaT Center for Human Genetics Tuebingen
Classification: Likely benign. Last evaluated: 2025-07-01. Review status: criteria provided, single submitter. Criteria: CeGaT Center For Human Genetics Tuebingen Variant Classification Criteria Version 2. Collection method: clinical testing. Allele origin: germline. Affected: yes. Observed: 1 variant allele.
Comment: CTBP1: PM2:Supporting, BP4, BP7